The following is an entry in ClinVar:

NM_024666.5(AAGAB):c.13G>C (p.Val5Leu)

Genes: AAGAB (alpha and gamma adaptin binding protein; minus strand), LOC130057363 (ATAC-STARR-seq lymphoblastoid active region 9628; plus strand). Cytogenetic location: 15q23.
Variant type: single nucleotide variant.
Coding change: c.13G>C on transcript NM_024666.5 (MANE Select); coding-DNA position 13, G replaced by C.
Protein change: p.Val5Leu; replaces valine 5 with leucine.
Molecular consequence: missense variant. On other transcripts: 5 prime UTR variant (1), intron variant (1).
Genome position (GRCh38, 1-based): chr15:67,254,619, C>G on the plus strand (G>C on the coding strand, the complement: AAGAB is on the minus strand). VCF-style: chr15-67254619-C-G. GRCh37 (hg19) VCF-style: chr15-67546957-C-G.
Other names: c.-460G>C (NM_001271886.2); c.-255+518G>C (NM_001271885.2); short protein forms V5L.
Identifiers: ClinVar variation 1975208 (VCV001975208.5), dbSNP rs778665736, ClinGen allele CA7627267.

ClinVar aggregate classification (germline): Uncertain significance (1 of 4 stars; one submission).

Allele frequency attached by ClinVar (database versions not stated): ExAC 0.00004.
gnomAD v4.1: 10 of 1,603,772 alleles (0.00062%); highest among the groups gnomAD compares: Non-Finnish European, 0.00076%; no homozygotes.

Submission:

Labcorp Genetics (formerly Invitae), Labcorp
Classification: Uncertain significance. Last evaluated: 2022-08-02. Review status: criteria provided, single submitter. Criteria: Invitae Variant Classification Sherloc (09022015). Collection method: clinical testing. Allele origin: germline.
Comment: In summary, the available evidence is currently insufficient to determine the role of this variant in disease. Therefore, it has been classified as a Variant of Uncertain Significance. Algorithms developed to predict the effect of missense changes on protein structure and function (SIFT, PolyPhen-2, Align-GVGD) all suggest that this variant is likely to be tolerated. This variant has not been reported in the literature in individuals affected with AAGAB-related conditions. This variant is present in population databases (rs778665736, gnomAD 0.003%). This sequence change replaces valine, which is neutral and non-polar, with leucine, which is neutral and non-polar, at codon 5 of the AAGAB protein (p.Val5Leu).